The following is an entry in ClinVar:

ClinVar aggregate classification (germline): Pathogenic (1 of 4 stars; one submission).

Conditions:
Osteogenesis imperfecta type I (OI1). Also called: Lobstein's Disease; Lobstein disease; Classic Non-deforming Osteogenesis Imperfecta with Blue Sclerae; OI, TYPE I; OSTEOGENESIS IMPERFECTA TARDA; OSTEOGENESIS IMPERFECTA WITH BLUE SCLERAE. Identifiers: Orphanet 216796, Orphanet 666, MedGen C0023931, MONDO:0008146, OMIM 166200. Disease mechanism: loss of function.

Submission:

Labcorp Genetics (formerly Invitae), Labcorp
Classification: Pathogenic for Osteogenesis imperfecta type I. Last evaluated: 2025-04-14. Review status: criteria provided, single submitter. Criteria: Invitae Variant Classification Sherloc (09022015). Collection method: clinical testing. Allele origin: germline.
Comment: This sequence change creates a premature translational stop signal (p.Cys75*) in the COL1A1 gene. It is expected to result in an absent or disrupted protein product. Loss-of-function variants in COL1A1 are known to be pathogenic (PMID: 7942841, 9295084, 9443882). This variant is not present in population databases (gnomAD no frequency). This variant has not been reported in the literature in individuals affected with COL1A1-related conditions. For these reasons, this variant has been classified as Pathogenic.

Literature cited by the submitters: PubMed 7942841; PubMed 9295084; PubMed 9443882.

NM_000088.4(COL1A1):c.225_229del (p.Cys75_Glu77delinsTer)

Gene: COL1A1 (collagen type I alpha 1 chain; minus strand). Cytogenetic location: 17q21.33.
Variant type: Deletion.
Coding change: c.225_229del on transcript NM_000088.4 (MANE Select); coding-DNA positions 225 to 229, 5 bases deleted (TGACG; older notation c.225_229delTGACG).
Protein change: p.Cys75_Glu77delinsTer.
Molecular consequence: nonsense.
Genome position (GRCh38, 1-based): chr17:50,199,822-50,199,826, CGTCA deleted on the plus strand (TGACG on the coding strand, the reverse complement: COL1A1 is on the minus strand); deleting any 5 consecutive bases within chr17:50,199,822-50,199,827 gives the same sequence; the c. name uses the placement nearest the transcript's 3' end. VCF-style (leftmost placement, unchanged base first): chr17-50199821-TCGTCA-T. GRCh37 (hg19) VCF-style: chr17-48277182-TCGTCA-T.
Identifiers: ClinVar variation 4741005 (VCV004741005.1).
Genomic context (GRCh38, chr17:50,199,821, plus strand): 5'-TCGGGGCAGACGGGACAGCACTCGCCCTCGGGGACTTCGGCGCCGGGGCAGTTCTTGGTC[TCGTCA>T]CAGATCACGTCATCGCACAACACCTTGCCGTTGTCGCAGACGCAGATCCGGCAGGGCTCG-3'